The following is an entry in ClinVar:

NM_000565.4(IL6R):c.1124C>G (p.Ala375Gly)

Gene: IL6R (interleukin 6 receptor; plus strand). Cytogenetic location: 1q21.3.
Variant type: single nucleotide variant.
Coding change: c.1124C>G on transcript NM_000565.4 (MANE Select); coding-DNA position 1124, C replaced by G.
Protein change: p.Ala375Gly; replaces alanine 375 with glycine.
Molecular consequence: missense variant. On other transcripts: intron variant (2).
Genome position (GRCh38, 1-based): chr1:154,454,545, C>G. VCF-style: chr1-154454545-C-G. GRCh37 (hg19) VCF-style: chr1-154427021-C-G.
Other names: c.1223C>G, p.Ala408Gly (NM_001382769.1); c.1217C>G, p.Ala406Gly (NM_001382770.1); c.1172C>G, p.Ala391Gly (NM_001382771.1); c.1118C>G, p.Ala373Gly (NM_001382772.1); c.764C>G, p.Ala255Gly (NM_001382774.1); c.1114+4565C>G (NM_001382773.1); c.1066+4565C>G (NM_181359.3); short protein forms A255G, A391G, A408G, A373G, A406G, A375G.
Identifiers: ClinVar variation 1990378 (VCV001990378.1), dbSNP rs766192454, ClinGen allele CA1129278.

ClinVar aggregate classification (germline): Uncertain significance (1 of 4 stars; one submission).

Allele frequency attached by ClinVar (database versions not stated): ExAC 0.00001; gnomAD 0.00001; gnomAD exomes 0.00001; TOPMed 0.00001.
gnomAD v4.1: 18 of 1,613,746 alleles (0.0011%); highest among the groups gnomAD compares: Admixed American, 0.0033%; no homozygotes.

Submission:

Labcorp Genetics (formerly Invitae), Labcorp
Classification: Uncertain significance. Last evaluated: 2022-06-15. Review status: criteria provided, single submitter. Criteria: Invitae Variant Classification Sherloc (09022015). Collection method: clinical testing. Allele origin: germline.
Comment: This sequence change replaces alanine, which is neutral and non-polar, with glycine, which is neutral and non-polar, at codon 375 of the IL6R protein (p.Ala375Gly). This variant is present in population databases (rs766192454, gnomAD 0.006%). This variant has not been reported in the literature in individuals affected with IL6R-related conditions. Algorithms developed to predict the effect of missense changes on protein structure and function are either unavailable or do not agree on the potential impact of this missense change (SIFT: "Tolerated"; PolyPhen-2: "Possibly Damaging"; Align-GVGD: "Class C0"). In summary, the available evidence is currently insufficient to determine the role of this variant in disease. Therefore, it has been classified as a Variant of Uncertain Significance.